The following is an entry in ClinVar:

NM_203447.4(DOCK8):c.2110-31T>A

Gene: DOCK8 (dedicator of cytokinesis 8; plus strand). Cytogenetic location: 9p24.3.
Variant type: single nucleotide variant.
Coding change: c.2110-31T>A on transcript NM_203447.4 (MANE Select); 31 bases into the intron before coding-DNA position 2110, T replaced by A.
Molecular consequence: intron variant.
Genome position (GRCh38, 1-based): chr9:376,179, T>A. VCF-style: chr9-376179-T-A. GRCh37 (hg19) VCF-style: chr9-376179-T-A.
Other names: c.1906-31T>A (NM_001193536.2, NM_001190458.2).
Identifiers: ClinVar variation 673274 (VCV000673274.4), dbSNP rs35724655, ClinGen allele CA4958089.

ClinVar aggregate classification (germline): Benign. Review status: criteria provided, multiple submitters, no conflicts (2 of 4 stars). 3 submissions from 3 submitters: Benign (3). Last evaluated 2023-11-12.

Allele frequency attached by ClinVar (database versions not stated): 1000 Genomes Project 30x 0.14054; 1000 Genomes Project 0.14137; TOPMed 0.16436; gnomAD 0.16616 and 0.16911; ESP Exome Variant Server 0.17784; gnomAD exomes 0.19896 and 0.22453; ExAC 0.20038.
gnomAD v4.1: 322,481 of 1,474,472 alleles (22%); highest among the groups gnomAD compares: Middle Eastern, 26%; 38,068 homozygotes.

Submissions (3):

Unidad de Genómica Garrahan, Hospital de Pediatría Garrahan
Classification: Benign. Last evaluated: 2023-11-12. Review status: criteria provided, single submitter. Criteria: ACMG Guidelines, 2015. Collection method: clinical testing. Allele origin: germline. Affected: no. Observed: 30 variant alleles.
Comment: This variant is classified as Benign based on local population frequency. This variant was detected in 31% of patients studied by a panel of primary immunodeficiencies. Number of patients: 30. Only high quality variants are reported.

GeneDx
Classification: Benign. Last evaluated: 2018-06-14. Review status: criteria provided, single submitter. Criteria: GeneDx Variant Classification (06012015). Collection method: clinical testing. Allele origin: germline. Affected: yes.
Comment: This variant is considered likely benign or benign based on one or more of the following criteria: it is a conservative change, it occurs at a poorly conserved position in the protein, it is predicted to be benign by multiple in silico algorithms, and/or has population frequency not consistent with disease.

Breakthrough Genomics
Classification: Benign. Review status: criteria provided, single submitter. Criteria: ACMG Guidelines, 2015. Collection method: not provided. Allele origin: germline. Inheritance: Autosomal recessive inheritance. Affected: yes.